The following is an entry in ClinVar:

ClinVar aggregate classification (germline): Conflicting classifications of pathogenicity. Review status: criteria provided, conflicting classifications (1 of 4 stars). 2 submissions from 2 submitters: Uncertain significance (1); Likely benign (1). Last evaluated 2025-03-01.

Conditions:
Inborn genetic diseases. Identifiers: MedGen C0950123, MeSH D030342.

Allele frequency attached by ClinVar (database versions not stated): TOPMed 0.00004; gnomAD 0.00005; ExAC 0.00009.
gnomAD v4.1: 93 of 1,614,042 alleles (0.0058%); highest among the groups gnomAD compares: Non-Finnish European, 0.0043%; no homozygotes.

Submissions (2):

CeGaT Center for Human Genetics Tuebingen
Classification: Likely benign. Last evaluated: 2025-03-01. Review status: criteria provided, single submitter. Criteria: CeGaT Center For Human Genetics Tuebingen Variant Classification Criteria Version 2. Collection method: clinical testing. Allele origin: germline. Affected: yes. Observed: 1 variant allele.
Comment: SRRM2: BS2

Ambry Genetics
Classification: Uncertain significance for Inborn genetic diseases. Last evaluated: 2023-01-20. Review status: criteria provided, single submitter. Criteria: Ambry Variant Classification Scheme 2023. Collection method: clinical testing. Allele origin: germline.

NM_016333.4(SRRM2):c.3100T>C (p.Ser1034Pro)

Gene: SRRM2 (serine/arginine repetitive matrix 2; plus strand). Cytogenetic location: 16p13.3.
Variant type: single nucleotide variant.
Coding change: c.3100T>C on transcript NM_016333.4 (MANE Select); coding-DNA position 3100, T replaced by C.
Protein change: p.Ser1034Pro; replaces serine 1034 with proline.
Molecular consequence: missense variant.
Genome position (GRCh38, 1-based): chr16:2,763,628, T>C. VCF-style: chr16-2763628-T-C. GRCh37 (hg19) VCF-style: chr16-2813629-T-C.
Other names: short protein forms S1034P.
Identifiers: ClinVar variation 2460522 (VCV002460522.9), dbSNP rs764862901, ClinGen allele CA7847808.